The following is an entry in ClinVar:

ClinVar aggregate classification (germline): Uncertain significance (1 of 4 stars; one submission).

gnomAD v4.1: 1 of 1,613,910 alleles (0.000062%); highest among the groups gnomAD compares: Non-Finnish European, 0.000085%; no homozygotes.

Submission:

Labcorp Genetics (formerly Invitae), Labcorp
Classification: Uncertain significance. Last evaluated: 2025-05-05. Review status: criteria provided, single submitter. Criteria: Invitae Variant Classification Sherloc (09022015). Collection method: clinical testing. Allele origin: germline.
Comment: This sequence change replaces glutamine, which is neutral and polar, with histidine, which is basic and polar, at codon 241 of the MAP3K20 protein (p.Gln241His). This variant is not present in population databases (gnomAD no frequency). This variant has not been reported in the literature in individuals affected with MAP3K20-related conditions. Invitae Evidence Modeling of protein sequence and biophysical properties (such as structural, functional, and spatial information, amino acid conservation, physicochemical variation, residue mobility, and thermodynamic stability) indicates that this missense variant is not expected to disrupt MAP3K20 protein function with a negative predictive value of 95%. In summary, the available evidence is currently insufficient to determine the role of this variant in disease. Therefore, it has been classified as a Variant of Uncertain Significance.

NM_016653.3(MAP3K20):c.723G>T (p.Gln241His)

Genes: MAP3K20 (mitogen-activated protein kinase kinase kinase 20; plus strand), MAP3K20-AS1 (MAP3K20 antisense RNA 1; minus strand). Cytogenetic location: 2q31.1.
Variant type: single nucleotide variant.
Coding change: c.723G>T on transcript NM_016653.3 (MANE Select); coding-DNA position 723, G replaced by T.
Protein change: p.Gln241His; replaces glutamine 241 with histidine.
Molecular consequence: missense variant.
Genome position (GRCh38, 1-based): chr2:173,203,849, G>T. VCF-style: chr2-173203849-G-T. GRCh37 (hg19) VCF-style: chr2-174068577-G-T.
Other names: c.723G>T, p.Gln241His (NM_133646.3); short protein forms Q241H.
Identifiers: ClinVar variation 4701478 (VCV004701478.1).